The following is an entry in ClinVar:

NM_001453.3(FOXC1):c.816C>A (p.Ser272Arg)

Gene: FOXC1 (forkhead box C1; plus strand). Cytogenetic location: 6p25.3.
Variant type: single nucleotide variant.
Coding change: c.816C>A on transcript NM_001453.3 (MANE Select); coding-DNA position 816, C replaced by A.
Protein change: p.Ser272Arg; replaces serine 272 with arginine.
Molecular consequence: missense variant.
Genome position (GRCh38, 1-based): chr6:1,611,261, C>A. VCF-style: chr6-1611261-C-A. GRCh37 (hg19) VCF-style: chr6-1611496-C-A.
Other names: short protein forms S272R.
Identifiers: ClinVar variation 2194120 (VCV002194120.4), dbSNP rs1279463440, ClinGen allele CA362559637.

ClinVar aggregate classification (germline): Uncertain significance (1 of 4 stars; one submission).

Conditions:
Axenfeld-Rieger syndrome type 3 (RIEG3). Also called: AXENFELD-RIEGER ANOMALY WITH CARDIAC DEFECTS AND/OR SENSORINEURAL HEARING LOSS. Identifiers: Orphanet 782, MedGen C2678503, MONDO:0011233, OMIM 602482.

Submission:

Labcorp Genetics (formerly Invitae), Labcorp
Classification: Uncertain significance for Axenfeld-Rieger syndrome type 3. Last evaluated: 2025-10-13. Review status: criteria provided, single submitter. Criteria: Invitae Variant Classification Sherloc (09022015). Collection method: clinical testing. Allele origin: germline.
Comment: This sequence change replaces serine, which is neutral and polar, with arginine, which is basic and polar, at codon 272 of the FOXC1 protein (p.Ser272Arg). This variant is not present in population databases (gnomAD no frequency). This variant has not been reported in the literature in individuals affected with FOXC1-related conditions. ClinVar contains an entry for this variant (Variation ID: 2194120). An algorithm developed to predict the effect of missense changes on protein structure and function (PolyPhen-2) suggests that this variant is likely to be disruptive. In summary, the available evidence is currently insufficient to determine the role of this variant in disease. Therefore, it has been classified as a Variant of Uncertain Significance.